The following is an entry in ClinVar:

NM_001164508.2(NEB):c.10223A>G (p.Lys3408Arg)

Gene: NEB (nebulin; minus strand). Cytogenetic location: 2q23.3.
Variant type: single nucleotide variant.
Coding change: c.10223A>G on transcript NM_001164508.2 (MANE Select); coding-DNA position 10223, A replaced by G.
Protein change: p.Lys3408Arg; replaces lysine 3408 with arginine.
Molecular consequence: missense variant.
Genome position (GRCh38, 1-based): chr2:151,627,126, T>C on the plus strand (A>G on the coding strand, the complement: NEB is on the minus strand). VCF-style: chr2-151627126-T-C. GRCh37 (hg19) VCF-style: chr2-152483640-T-C.
Other names: c.10223A>G, p.Lys3408Arg (NM_001164507.2, NM_001271208.2); c.9494A>G, p.Lys3165Arg (NM_004543.5); short protein forms K3408R, K3165R.
Identifiers: ClinVar variation 647614 (VCV000647614.3), dbSNP rs762891609, ClinGen allele CA1909091.
Genomic context (GRCh38, chr2:151,627,126, plus strand): 5'-AATTTCAGCTTGTCCGGAGGCTGGCGGTAGATGTTATCACTCAGTATTTCAGCAGCTCTC[T>C]TGCACTTGACCACATCCATAGACCCAATGGGGACCCAGCCAATGCCTCTCAGCCACTGGA-3'
Protein context (NP_001157980.2, residues 3398-3418): PIGSMDVVKC[Lys3408Arg]RAAEILSDNI

ClinVar aggregate classification (germline): Uncertain significance (1 of 4 stars; one submission).

Conditions:
Nemaline myopathy 2 (NEM2). Also called: Nemaline myopathy 2, autosomal recessive. Identifiers: MedGen C1850569, MONDO:0009725, OMIM 256030.

Allele frequency attached by ClinVar (database versions not stated): gnomAD exomes below 0.00001 and 0.00001; TOPMed below 0.00001; ExAC 0.00001.
gnomAD v4.1: 6 of 1,613,964 alleles (0.00037%); highest among the groups gnomAD compares: East Asian, 0.0067%; no homozygotes.

Submission:

Labcorp Genetics (formerly Invitae), Labcorp
Classification: Uncertain significance for Nemaline myopathy 2. Last evaluated: 2024-01-15. Review status: criteria provided, single submitter. Criteria: Invitae Variant Classification Sherloc (09022015). Collection method: clinical testing. Allele origin: germline.
Comment: This sequence change replaces lysine, which is basic and polar, with arginine, which is basic and polar, at codon 3408 of the NEB protein (p.Lys3408Arg). This variant is present in population databases (rs762891609, gnomAD 0.01%). This variant has not been reported in the literature in individuals affected with NEB-related conditions. ClinVar contains an entry for this variant (Variation ID: 647614). Experimental studies and prediction algorithms are not available or were not evaluated, and the functional significance of this variant is currently unknown. In summary, the available evidence is currently insufficient to determine the role of this variant in disease. Therefore, it has been classified as a Variant of Uncertain Significance.